The following is an entry in ClinVar:

ClinVar aggregate classification (germline): Uncertain significance (1 of 4 stars; one submission).

Allele frequency attached by ClinVar (database versions not stated): gnomAD exomes below 0.00001 and 0.00003; gnomAD 0.00001; TOPMed 0.00001; ExAC 0.00002.
gnomAD v4.1: 5 of 1,614,010 alleles (0.00031%); highest among the groups gnomAD compares: East Asian, 0.011%; no homozygotes.

Submission:

Labcorp Genetics (formerly Invitae), Labcorp
Classification: Uncertain significance. Last evaluated: 2020-10-27. Review status: criteria provided, single submitter. Criteria: Invitae Variant Classification Sherloc (09022015). Collection method: clinical testing. Allele origin: germline.
Comment: This sequence change replaces serine with threonine at codon 1202 of the AP3D1 protein (p.Ser1202Thr). The serine residue is moderately conserved and there is a small physicochemical difference between serine and threonine. This variant is present in population databases (rs752728639, ExAC 0.03%). This variant has not been reported in the literature in individuals with AP3D1-related conditions. Algorithms developed to predict the effect of missense changes on protein structure and function (SIFT, PolyPhen-2, Align-GVGD) all suggest that this variant is likely to be tolerated, but these predictions have not been confirmed by published functional studies and their clinical significance is uncertain. In summary, the available evidence is currently insufficient to determine the role of this variant in disease. Therefore, it has been classified as a Variant of Uncertain Significance.

NM_001261826.3(AP3D1):c.3605G>C (p.Ser1202Thr)

Gene: AP3D1 (adaptor related protein complex 3 subunit delta 1; minus strand). Cytogenetic location: 19p13.3.
Variant type: single nucleotide variant.
Coding change: c.3605G>C on transcript NM_001261826.3 (MANE Select); coding-DNA position 3605, G replaced by C.
Protein change: p.Ser1202Thr; replaces serine 1202 with threonine.
Molecular consequence: missense variant.
Genome position (GRCh38, 1-based): chr19:2,102,216, C>G on the plus strand (G>C on the coding strand, the complement: AP3D1 is on the minus strand). VCF-style: chr19-2102216-C-G. GRCh37 (hg19) VCF-style: chr19-2102215-C-G.
Other names: c.3569G>C, p.Ser1190Thr (NM_001374799.1); c.3419G>C, p.Ser1140Thr (NM_003938.8); short protein forms S1202T, S1190T, S1140T.
Identifiers: ClinVar variation 1493936 (VCV001493936.8), dbSNP rs752728639, ClinGen allele CA9058309.
Genomic context (GRCh38, chr19:2,102,216, plus strand): 5'-GGGCTCGCAGGCAGCTCTCAACACTTGGCCAGCGTCGCCTTCATCTCTTCTAACAAGTTG[C>G]TCAGTAGCGTGGAGTCACTGCACTTCCCGTCGACTGAGACAGAGTTCTCACCCTGTGTAA-3'
Protein context (NP_001248755.1, residues 1192-1212): DGKCSDSTLL[Ser1202Thr]NLLEEMKATL